The following is an entry in ClinVar:

NM_001035.3(RYR2):c.5078A>G (p.Tyr1693Cys)

Gene: RYR2 (ryanodine receptor 2; plus strand). Cytogenetic location: 1q43.
Variant type: single nucleotide variant.
Coding change: c.5078A>G on transcript NM_001035.3 (MANE Select); coding-DNA position 5078, A replaced by G.
Protein change: p.Tyr1693Cys; replaces tyrosine 1693 with cysteine.
Molecular consequence: missense variant.
Genome position (GRCh38, 1-based): chr1:237,614,206, A>G. VCF-style: chr1-237614206-A-G. GRCh37 (hg19) VCF-style: chr1-237777506-A-G.
Other names: c.5078A>G, p.Tyr1693Cys (LRG_402t1); short protein forms Y1693C.
Identifiers: ClinVar variation 296727 (VCV000296727.7), dbSNP rs886046268, ClinGen allele CA10609565.

ClinVar aggregate classification (germline): Uncertain significance (1 of 4 stars; one submission).

Conditions:
Cardiomyopathy (CMYO). Also called: Cardiomyopathies. Identifiers: Orphanet 167848, MedGen C0878544, MONDO:0004994, HP:0001638. Inheritance: Various modes of inheritance.

Allele frequency attached by ClinVar (database versions not stated): gnomAD exomes below 0.00001.
gnomAD v4.1: 1 of 1,614,014 alleles (0.000062%); highest among the groups gnomAD compares: Non-Finnish European, 0.000085%; no homozygotes.

Submission:

Color Diagnostics, LLC DBA Color Health
Classification: Uncertain significance for Cardiomyopathy. Last evaluated: 2025-07-25. Review status: criteria provided, single submitter. Criteria: ACMG Guidelines, 2015. Collection method: clinical testing. Allele origin: germline.
Comment: This missense variant replaces tyrosine with cysteine at codon 1693 of the RYR2 protein. Computational prediction suggests that this variant may have a deleterious impact on protein structure and function. To our knowledge, functional studies have not been reported for this variant. This variant has not been reported in individuals affected with RYR2-related disorders in the literature. This variant has not been identified in the general population by the Genome Aggregation Database (gnomAD). The available evidence is insufficient to determine the role of this variant in disease conclusively. Therefore, this variant is classified as a Variant of Uncertain Significance.